The following is an entry in ClinVar:

NM_000059.4(BRCA2):c.4266_4267del (p.Glu1422fs)

Gene: BRCA2 (BRCA2 DNA repair associated; plus strand). Cytogenetic location: 13q13.1.
Variant type: Microsatellite.
Coding change: c.4266_4267del on transcript NM_000059.4 (MANE Select); coding-DNA positions 4266 to 4267, 2 bases deleted (GA; older notation c.4266_4267delGA).
Protein change: p.Glu1422fs; shifts the reading frame from glutamic acid 1422.
Molecular consequence: frameshift variant.
Genome position (GRCh38, 1-based): chr13:32,338,621-32,338,622, GA deleted; deleting any 2 consecutive bases within chr13:32,338,619-32,338,622 gives the same sequence; the c. name uses the placement nearest the transcript's 3' end. VCF-style (leftmost placement, unchanged base first): chr13-32338618-TGA-T. GRCh37 (hg19) VCF-style: chr13-32912755-TGA-T.
Other names: c.4266_4267delGA (NM_000059.3); short protein forms E1422fs.
Identifiers: ClinVar variation 462334 (VCV000462334.12), dbSNP rs1555283667, ClinGen allele CA658656339.

ClinVar aggregate classification (germline): Pathogenic. Review status: criteria provided, multiple submitters, no conflicts (2 of 4 stars). 2 submissions from 2 submitters: Pathogenic (2). Last evaluated 2025-12-02.

Conditions:
Hereditary breast ovarian cancer syndrome. Also called: Hereditary breast and ovarian cancer syndrome (HBOC); Hereditary breast and ovarian cancer syndrome; Breast and ovarian cancer; Hereditary breast and/or ovarian cancer syndrome; Hereditary breast and ovarian cancer; BRCA1- and BRCA2-Associated Hereditary Breast and Ovarian Cancer. Identifiers: Orphanet 145, MedGen C0677776, MeSH D061325, MONDO:0003582. Disease mechanism: loss of function.
Hereditary cancer-predisposing syndrome. Also called: Neoplastic Syndromes, Hereditary; Hereditary Cancer Syndrome; Hereditary neoplastic syndrome; Tumor predisposition. Identifiers: Orphanet 140162, MedGen C0027672, MeSH D009386, MONDO:0015356.

Submissions (2):

Ambry Genetics
Classification: Pathogenic for Hereditary cancer-predisposing syndrome. Last evaluated: 2025-12-02. Review status: criteria provided, single submitter. Criteria: Ambry Variant Classification Scheme 2023. Collection method: clinical testing. Allele origin: germline.
Comment: The c.4266_4267delGA pathogenic mutation, located in coding exon 10 of the BRCA2 gene, results from a deletion of two nucleotides at nucleotide positions 4266 to 4267, causing a translational frameshift with a predicted alternate stop codon (p.E1422Dfs*3). This variant is considered to be rare based on population cohorts in the Genome Aggregation Database (gnomAD). This alteration is expected to result in loss of function by premature protein truncation or nonsense-mediated mRNA decay. As such, this alteration is interpreted as a disease-causing mutation.

Labcorp Genetics (formerly Invitae), Labcorp
Classification: Pathogenic for Hereditary breast ovarian cancer syndrome. Last evaluated: 2025-10-18. Review status: criteria provided, single submitter. Criteria: Invitae Variant Classification Sherloc (09022015). Collection method: clinical testing. Allele origin: germline.
Comment: This sequence change creates a premature translational stop signal (p.Glu1422Aspfs*3) in the BRCA2 gene. It is expected to result in an absent or disrupted protein product. Loss-of-function variants in BRCA2 are known to be pathogenic (PMID: 20104584). This variant is not present in population databases (gnomAD no frequency). This variant has not been reported in the literature in individuals affected with BRCA2-related conditions. For these reasons, this variant has been classified as Pathogenic.

Literature cited by the submitters: PubMed 20104584 (cited by Labcorp Genetics (formerly Invitae), Labcorp).